The following is an entry in ClinVar:

NM_016599.5(MYOZ2):c.634C>T (p.Leu212=)

Gene: MYOZ2 (myozenin 2; plus strand). Cytogenetic location: 4q26.
Variant type: single nucleotide variant.
Coding change: c.634C>T on transcript NM_016599.5 (MANE Select); coding-DNA position 634, C replaced by T.
Protein change: p.Leu212=; no amino-acid change (leucine 212 retained).
Molecular consequence: synonymous variant. On other transcripts: 3 prime UTR variant (1).
Genome position (GRCh38, 1-based): chr4:119,186,039, C>T. VCF-style: chr4-119186039-C-T. GRCh37 (hg19) VCF-style: chr4-120107194-C-T.
Other names: c.*47C>T (NM_001440645.1).
Identifiers: ClinVar variation 4987966 (VCV004987966.1).
Genomic context (GRCh38, chr4:119,186,039, plus strand): 5'-TTTGGAGGTTTTGAAAAAGCATCAAGAATGGTTAAATTTAAAGTTCCAGATTTTGAGCTA[C>T]TATTGCTAACAGATCCCAGGTTTATGTCCTTTGTCAATCCCCTTTCTGGCAGACGGTCCT-3'
Protein context (NP_057683.1, residues 202-222): VKFKVPDFEL[Leu212=]LLTDPRFMSF

ClinVar aggregate classification (germline): Likely benign (1 of 4 stars; one submission).

Conditions:
MYOZ2-related disorder. Also called: MYOZ2-related condition.

Submission:

PreventionGenetics, part of Exact Sciences
Classification: Likely benign for MYOZ2-related condition. Last evaluated: 2025-12-02. Review status: criteria provided, single submitter. Criteria: ACMG Guidelines, 2015. Collection method: clinical testing. Allele origin: germline.
Comment: This variant is classified as likely benign based on ACMG/AMP sequence variant interpretation guidelines (Richards et al. 2015 PMID: 25741868, with internal and published modifications).